The following is an entry in ClinVar:

ClinVar aggregate classification (germline): Conflicting classifications of pathogenicity. Review status: criteria provided, conflicting classifications (1 of 4 stars). 5 submissions from 5 submitters: Uncertain significance (4); Likely benign (1). Last evaluated 2026-06-22.

Conditions:
Arrhythmogenic right ventricular dysplasia 10. Also called: Arrhythmogenic Right Ventricular Dysplasia/Cardiomyopathy10; Arrhythmogenic right ventricular dysplasia/cardiomyopathy, type 10; ARRHYTHMOGENIC RIGHT VENTRICULAR DYSPLASIA, FAMILIAL, 10. Identifiers: MedGen C1857777, MONDO:0012434, OMIM 610193.
Cardiovascular phenotype. Identifiers: MedGen CN230736.
Arrhythmogenic right ventricular cardiomyopathy (ARVD). Also called: Cardiomyopathy, ARVC; Arrhythmogenic cardiomyopathy; Arrhythmogenic Right Ventricular Cardiomyopathy (ARVC); Arrhythmogenic right ventricular dysplasia. Identifiers: Orphanet 247, MedGen C0349788, MeSH D019571, MONDO:0016587. Disease mechanism: loss of function. Inheritance: Various modes of inheritance.
Cardiomyopathy (CMYO). Also called: Cardiomyopathies. Identifiers: Orphanet 167848, MedGen C0878544, MONDO:0004994, HP:0001638. Inheritance: Various modes of inheritance.

Allele frequency attached by ClinVar (database versions not stated): gnomAD exomes 0.00001; ExAC 0.00002.
gnomAD v4.1: 5 of 1,613,480 alleles (0.00031%); highest among the groups gnomAD compares: Non-Finnish European, 0.00025%; no homozygotes.

Submissions (5):

Ambry Genetics
Classification: Likely benign for Cardiovascular phenotype. Last evaluated: 2026-06-22. Review status: criteria provided, single submitter. Criteria: Ambry Variant Classification Scheme 2023. Collection method: clinical testing. Allele origin: germline.

All of Us Research Program, National Institutes of Health
Classification: Uncertain significance for Arrhythmogenic right ventricular cardiomyopathy. Last evaluated: 2024-07-10. Review status: criteria provided, single submitter. Criteria: ACMG Guidelines, 2015. Collection method: clinical testing. Allele origin: germline. Inheritance: Autosomal dominant inheritance. Observed: 4 variant alleles, 4 heterozygotes.
Comment: This missense variant replaces threonine with isoleucine at codon 226 of the DSG2 protein. Computational prediction suggests that this variant may not impact protein structure and function (internally defined REVEL score threshold <= 0.5, PMID: 27666373). To our knowledge, functional studies have not been reported for this variant. This variant has not been reported in individuals affected with cardiovascular disorders in the literature. This variant has been identified in 3/249450 chromosomes in the general population by the Genome Aggregation Database (gnomAD). The available evidence is insufficient to determine the role of this variant in disease conclusively. Therefore, this variant is classified as a Variant of Uncertain Significance.

This study involves interpretation of variants in research participants for the purpose of population health screening. Participant phenotype was not available at the time of variant classification. Additional details can be found in publication PMID: 35346344, PMCID: PMC8962531

Color Diagnostics, LLC DBA Color Health
Classification: Uncertain significance for Cardiomyopathy. Last evaluated: 2024-03-06. Review status: criteria provided, single submitter. Criteria: ACMG Guidelines, 2015. Collection method: clinical testing. Allele origin: germline.
Comment: This missense variant replaces threonine with isoleucine at codon 226 of the DSG2 protein. Computational prediction suggests that this variant may not impact protein structure and function (internally defined REVEL score threshold <= 0.5, PMID: 27666373). To our knowledge, functional studies have not been reported for this variant. This variant has not been reported in individuals affected with cardiovascular disorders in the literature. This variant has been identified in 3/249450 chromosomes in the general population by the Genome Aggregation Database (gnomAD). The available evidence is insufficient to determine the role of this variant in disease conclusively. Therefore, this variant is classified as a Variant of Uncertain Significance.

Labcorp Genetics (formerly Invitae), Labcorp
Classification: Uncertain significance for Arrhythmogenic right ventricular dysplasia 10. Last evaluated: 2021-08-24. Review status: criteria provided, single submitter. Criteria: Invitae Variant Classification Sherloc (09022015). Collection method: clinical testing. Allele origin: germline.
Comment: This sequence change replaces threonine with isoleucine at codon 226 of the DSG2 protein (p.Thr226Ile). The threonine residue is moderately conserved and there is a moderate physicochemical difference between threonine and isoleucine. This variant is present in population databases (rs751490881, ExAC 0.001%). This variant has not been reported in the literature in individuals affected with DSG2-related conditions. Algorithms developed to predict the effect of missense changes on protein structure and function are either unavailable or do not agree on the potential impact of this missense change (SIFT: "Deleterious"; PolyPhen-2: "Benign"; Align-GVGD: "Class C0"). In summary, the available evidence is currently insufficient to determine the role of this variant in disease. Therefore, it has been classified as a Variant of Uncertain Significance.

Illumina Laboratory Services, Illumina
Classification: Uncertain significance for Arrhythmogenic right ventricular dysplasia 10. Last evaluated: 2018-01-13. Review status: criteria provided, single submitter. Criteria: ICSL Variant Classification Criteria 13 December 2019. Collection method: clinical testing. Allele origin: germline.

NM_001943.5(DSG2):c.677C>T (p.Thr226Ile)

Gene: DSG2 (desmoglein 2; plus strand). Cytogenetic location: 18q12.1.
Variant type: single nucleotide variant.
Coding change: c.677C>T on transcript NM_001943.5 (MANE Select); coding-DNA position 677, C replaced by T.
Protein change: p.Thr226Ile; replaces threonine 226 with isoleucine.
Molecular consequence: missense variant.
Genome position (GRCh38, 1-based): chr18:31,522,236, C>T. VCF-style: chr18-31522236-C-T. GRCh37 (hg19) VCF-style: chr18-29102199-C-T.
Other names: c.677C>T (LRG_397t1); short protein forms T226I.
Identifiers: ClinVar variation 466349 (VCV000466349.14), dbSNP rs751490881, ClinGen allele CA049600.